The following is an entry in ClinVar:

NM_001170700.3(DTHD1):c.1774G>C (p.Val592Leu)

Gene: DTHD1 (death domain containing 1; plus strand). Cytogenetic location: 4p14.
Variant type: single nucleotide variant.
Coding change: c.1774G>C on transcript NM_001170700.3 (MANE Select); coding-DNA position 1774, G replaced by C.
Protein change: p.Val592Leu; replaces valine 592 with leucine.
Molecular consequence: missense variant. On other transcripts: non-coding transcript variant (2).
Genome position (GRCh38, 1-based): chr4:36,306,321, G>C. VCF-style: chr4-36306321-G-C. GRCh37 (hg19) VCF-style: chr4-36307943-G-C.
Other names: c.904G>C, p.Val302Leu (NM_001136536.5); c.841G>C, p.Val281Leu (NM_001378435.1); short protein forms V281L, V302L, V592L.
Identifiers: ClinVar variation 4766524 (VCV004766524.1).
Genomic context (GRCh38, chr4:36,306,321, plus strand): 5'-AGCCAAGACAGTGGTTGGTGTGGGCTTGATGATGTTGTGAAAACCATACAGAGCGGCTTG[G>C]TATCAGTTGAATTGTATGAACATTTGGAGAGGTAATACCATCAAAAACAATCAAAGTTGA-3'
Protein context (NP_001164171.2, residues 582-602): DVVKTIQSGL[Val592Leu]SVELYEHLER

ClinVar aggregate classification (germline): Uncertain significance (1 of 4 stars; one submission).

gnomAD v4.1: 2 of 1,550,854 alleles (0.00013%); highest among the groups gnomAD compares: African/African-American, 0.0027%; no homozygotes.

Submission:

Labcorp Genetics (formerly Invitae), Labcorp
Classification: Uncertain significance. Last evaluated: 2025-05-17. Review status: criteria provided, single submitter. Criteria: Invitae Variant Classification Sherloc (09022015). Collection method: clinical testing. Allele origin: germline.
Comment: This sequence change replaces valine, which is neutral and non-polar, with leucine, which is neutral and non-polar, at codon 302 of the DTHD1 protein (p.Val302Leu). This variant is not present in population databases (gnomAD no frequency). This variant has not been reported in the literature in individuals affected with DTHD1-related conditions. An algorithm developed to predict the effect of missense changes on protein structure and function (PolyPhen-2) suggests that this variant is likely to be tolerated. In summary, the available evidence is currently insufficient to determine the role of this variant in disease. Therefore, it has been classified as a Variant of Uncertain Significance.